The following is an entry in ClinVar:

ClinVar aggregate classification (germline): Uncertain significance (1 of 4 stars; one submission).

Conditions:
Emery-Dreifuss muscular dystrophy 4, autosomal dominant (EDMD4). Also called: EMERY-DREIFUSS MUSCULAR DYSTROPHY 4 WITH VARIABLE FEATURES. Identifiers: Orphanet 261, MedGen C2751807, MONDO:0013071, OMIM 612998.
Autosomal recessive ataxia, Beauce type. Also called: Spinocerebellar ataxia, autosomal recessive 8; ATAXIA, RECESSIVE, OF BEAUCE; SYNE1 Deficiency; SYNE1-Related Autosomal Recessive Cerebellar Ataxia. Identifiers: Orphanet 88644, MedGen C1853116, MONDO:0012549, OMIM 610743.

Allele frequency attached by ClinVar (database versions not stated): gnomAD exomes below 0.00001; ExAC 0.00001; gnomAD 0.00001; TOPMed 0.00002; ESP Exome Variant Server 0.00008.
gnomAD v4.1: 3 of 1,613,068 alleles (0.00019%); highest among the groups gnomAD compares: African/African-American, 0.004%; no homozygotes.

Submission:

Labcorp Genetics (formerly Invitae), Labcorp
Classification: Uncertain significance for Emery-Dreifuss muscular dystrophy 4, autosomal dominant; Autosomal recessive ataxia, Beauce type. Last evaluated: 2021-02-20. Review status: criteria provided, single submitter. Criteria: Invitae Variant Classification Sherloc (09022015). Collection method: clinical testing. Allele origin: germline.
Comment: This sequence change replaces histidine with tyrosine at codon 3126 of the SYNE1 protein (p.His3126Tyr). The histidine residue is highly conserved and there is a moderate physicochemical difference between histidine and tyrosine. This variant is present in population databases (rs373615823, ExAC 0.01%). This variant has not been reported in the literature in individuals with SYNE1-related conditions. Algorithms developed to predict the effect of missense changes on protein structure and function (SIFT, PolyPhen-2, Align-GVGD) all suggest that this variant is likely to be disruptive, but these predictions have not been confirmed by published functional studies and their clinical significance is uncertain. In summary, the available evidence is currently insufficient to determine the role of this variant in disease. Therefore, it has been classified as a Variant of Uncertain Significance.

NM_182961.4(SYNE1):c.9355C>T (p.His3119Tyr)

Gene: SYNE1 (spectrin repeat containing nuclear envelope protein 1; minus strand). Cytogenetic location: 6q25.2.
Variant type: single nucleotide variant.
Coding change: c.9355C>T on transcript NM_182961.4 (MANE Select); coding-DNA position 9355, C replaced by T.
Protein change: p.His3119Tyr; replaces histidine 3119 with tyrosine.
Molecular consequence: missense variant.
Genome position (GRCh38, 1-based): chr6:152,373,189, G>A on the plus strand (C>T on the coding strand, the complement: SYNE1 is on the minus strand). VCF-style: chr6-152373189-G-A. GRCh37 (hg19) VCF-style: chr6-152694324-G-A.
Other names: c.9376C>T, p.His3126Tyr (NM_033071.5); short protein forms H3119Y, H3126Y.
Identifiers: ClinVar variation 1439272 (VCV001439272.7), dbSNP rs373615823, ClinGen allele CA4057340.